The following is an entry in ClinVar:

ClinVar aggregate classification (germline): Benign/Likely benign. Review status: criteria provided, multiple submitters, no conflicts (2 of 4 stars). 6 submissions from 6 submitters: Benign (1); Likely benign (4). 1 of the submissions does not count toward it. Last evaluated 2026-05-01.

Conditions:
Batten-Turner congenital myopathy. Also called: Myotonia congenita; Congenital myotonia. Identifiers: Orphanet 206973, MedGen C0027127, MONDO:0100468, OMIM 255300.
Congenital myotonia, autosomal recessive form. Also called: Becker Generalized Myotonia; BECKER DISEASE; myotonia congenita, autosomal recessive. Identifiers: Orphanet 614, MedGen C0751360, MONDO:0009715, OMIM 255700.
Congenital myotonia, autosomal dominant form (THD). Also called: THOMSEN DISEASE; Myotonia congenita autosomal dominant. Identifiers: Orphanet 614, MedGen C2936781, MONDO:0008055, OMIM 160800.
CLCN1-related disorder. Also called: CLCN1-related condition.

Allele frequency attached by ClinVar (database versions not stated): gnomAD exomes 0.00013 and 0.00033; ExAC 0.00016; gnomAD 0.00022 and 0.00023; TOPMed 0.00024; ESP Exome Variant Server 0.00031.
gnomAD v4.1: 526 of 1,614,056 alleles (0.033%); highest among the groups gnomAD compares: Non-Finnish European, 0.041%; 1 homozygote.

Submissions (6):

CeGaT Center for Human Genetics Tuebingen
Classification: Likely benign. Last evaluated: 2026-05-01. Review status: criteria provided, single submitter. Criteria: CeGaT Center For Human Genetics Tuebingen Variant Classification Criteria Version 2. Collection method: clinical testing. Allele origin: germline. Affected: yes. Observed: 1 variant allele.
Comment: CLCN1: BP4, BP7

Labcorp Genetics (formerly Invitae), Labcorp
Classification: Likely benign for Congenital myotonia, autosomal recessive form; Congenital myotonia, autosomal dominant form. Last evaluated: 2026-01-19. Review status: criteria provided, single submitter. Criteria: Invitae Variant Classification Sherloc (09022015). Collection method: clinical testing. Allele origin: germline.

Athena Diagnostics
Classification: Likely benign. Last evaluated: 2021-04-16. Review status: criteria provided, single submitter. Criteria: Athena Diagnostics criteria. Collection method: clinical testing. Allele origin: unknown.

Illumina Laboratory Services, Illumina
Classification: Benign for Myotonia congenita. Last evaluated: 2017-07-07. Review status: criteria provided, single submitter. Criteria: ICSL Variant Classification Criteria 13 December 2019. Collection method: clinical testing. Allele origin: germline.
Comment: This variant was observed as part of a predisposition screen in an ostensibly healthy population. A literature search was performed for the gene, cDNA change, and amino acid change (where applicable). No publications were found based on this search. Allele frequency data from public databases was too high to be consistent with this variant causing disease. Therefore, this variant is classified as benign.

GeneDx
Classification: Likely benign. Last evaluated: 2016-11-14. Review status: criteria provided, single submitter. Criteria: GeneDx Variant Classification (06012015). Collection method: clinical testing. Allele origin: germline. Affected: yes.
Comment: This variant is considered likely benign or benign based on one or more of the following criteria: it is a conservative change, it occurs at a poorly conserved position in the protein, it is predicted to be benign by multiple in silico algorithms, and/or has population frequency not consistent with disease.

PreventionGenetics, part of Exact Sciences
Classification: Likely benign for CLCN1-related condition. Last evaluated: 2019-04-12. Review status: no assertion criteria provided. Collection method: clinical testing. Allele origin: germline. Not counted in ClinVar's aggregate classification.
Comment: This variant is classified as likely benign based on ACMG/AMP sequence variant interpretation guidelines (Richards et al. 2015 PMID: 25741868, with internal and published modifications).

NM_000083.3(CLCN1):c.900G>A (p.Arg300=)

Gene: CLCN1 (chloride voltage-gated channel 1; plus strand). Cytogenetic location: 7q34.
Variant type: single nucleotide variant.
Coding change: c.900G>A on transcript NM_000083.3 (MANE Select); coding-DNA position 900, G replaced by A.
Protein change: p.Arg300=; no amino-acid change (arginine 300 retained).
Molecular consequence: synonymous variant. On other transcripts: non-coding transcript variant (1).
Genome position (GRCh38, 1-based): chr7:143,330,818, G>A. VCF-style: chr7-143330818-G-A. GRCh37 (hg19) VCF-style: chr7-143027911-G-A.
Identifiers: ClinVar variation 390519 (VCV000390519.24), dbSNP rs149578972, ClinGen allele CA4537174.